The following is an entry in ClinVar:

NM_020686.6(ABAT):c.56G>T (p.Arg19Leu)

Gene: ABAT (4-aminobutyrate aminotransferase; plus strand). Cytogenetic location: 16p13.2.
Variant type: single nucleotide variant.
Coding change: c.56G>T on transcript NM_020686.6 (MANE Select); coding-DNA position 56, G replaced by T.
Protein change: p.Arg19Leu; replaces arginine 19 with leucine.
Molecular consequence: missense variant. On other transcripts: intron variant (3).
Genome position (GRCh38, 1-based): chr16:8,735,795, G>T. VCF-style: chr16-8735795-G-T. GRCh37 (hg19) VCF-style: chr16-8829652-G-T.
Other names: c.56G>T, p.Arg19Leu (NM_000663.5, NM_001127448.2, NM_001386600.1 and 13 more transcripts); c.-65-10206G>T (NM_001386611.1, NM_001386612.1, NM_001386613.1); short protein forms R19L.
Identifiers: ClinVar variation 1376596 (VCV001376596.6), dbSNP rs780368959, ClinGen allele CA394691225.

ClinVar aggregate classification (germline): Uncertain significance (1 of 4 stars; one submission).

Conditions:
Gamma-aminobutyric acid transaminase deficiency (GABATD). Also called: GABA transaminase deficiency; Gamma aminobutyrate transaminase deficiency; 4 alpha aminobutyrate transaminase deficiency; GABA aminotransaminase deficiency. Identifiers: Orphanet 2066, MedGen C0342708, MONDO:0013166, OMIM 613163.

Submission:

Labcorp Genetics (formerly Invitae), Labcorp
Classification: Uncertain significance for Gamma-aminobutyric acid transaminase deficiency. Last evaluated: 2021-08-20. Review status: criteria provided, single submitter. Criteria: Invitae Variant Classification Sherloc (09022015). Collection method: clinical testing. Allele origin: germline.
Comment: This sequence change replaces arginine with leucine at codon 19 of the ABAT protein (p.Arg19Leu). The arginine residue is weakly conserved and there is a moderate physicochemical difference between arginine and leucine. This variant is not present in population databases (ExAC no frequency). This variant has not been reported in the literature in individuals affected with ABAT-related conditions. Algorithms developed to predict the effect of missense changes on protein structure and function output the following: SIFT: "Tolerated"; PolyPhen-2: "Benign"; Align-GVGD: "Class C0". The leucine amino acid residue is found in multiple mammalian species, which suggests that this missense change does not adversely affect protein function. In summary, the available evidence is currently insufficient to determine the role of this variant in disease. Therefore, it has been classified as a Variant of Uncertain Significance.